The following is an entry in ClinVar:

ClinVar aggregate classification (germline): Likely benign. Review status: criteria provided, multiple submitters, no conflicts (2 of 4 stars). 2 submissions from 2 submitters: Likely benign (2). Last evaluated 2025-12-01.

Conditions:
Intellectual developmental disorder, autosomal dominant 1. Also called: Intellectual disability, autosomal dominant 1; MBD5 Haploinsufficiency. Identifiers: Orphanet 228402, MedGen C1969562, MONDO:0007974, OMIM 156200.

Allele frequency attached by ClinVar (database versions not stated): gnomAD exomes 0.00001 and 0.00002; ExAC 0.00002; ESP Exome Variant Server 0.00008; TOPMed 0.00003.
gnomAD v4.1: 23 of 1,613,974 alleles (0.0014%); highest among the groups gnomAD compares: Admixed American, 0.0017%; no homozygotes.

Submissions (2):

CeGaT Center for Human Genetics Tuebingen
Classification: Likely benign. Last evaluated: 2025-12-01. Review status: criteria provided, single submitter. Criteria: CeGaT Center For Human Genetics Tuebingen Variant Classification Criteria Version 2. Collection method: clinical testing. Allele origin: germline. Affected: yes. Observed: 2 variant alleles.
Comment: MBD5: BP4, BP7

Labcorp Genetics (formerly Invitae), Labcorp
Classification: Likely benign for Intellectual developmental disorder, autosomal dominant 1. Last evaluated: 2025-11-06. Review status: criteria provided, single submitter. Criteria: Invitae Variant Classification Sherloc (09022015). Collection method: clinical testing. Allele origin: germline.

NM_001378120.1(MBD5):c.2286C>T (p.His762=)

Gene: MBD5 (methyl-CpG binding domain protein 5; plus strand). Cytogenetic location: 2q23.1.
Variant type: single nucleotide variant.
Coding change: c.2286C>T on transcript NM_001378120.1 (MANE Select); coding-DNA position 2286, C replaced by T.
Protein change: p.His762=; no amino-acid change (histidine 762 retained).
Molecular consequence: synonymous variant.
Genome position (GRCh38, 1-based): chr2:148,470,229, C>T. VCF-style: chr2-148470229-C-T. GRCh37 (hg19) VCF-style: chr2-149227798-C-T.
Other names: c.2286C>T, p.His762= (NM_018328.5).
Identifiers: ClinVar variation 1102630 (VCV001102630.23), dbSNP rs370574043, ClinGen allele CA1900116.